The following is an entry in ClinVar:

NM_000051.4(ATM):c.3360T>G (p.Phe1120Leu)

Gene: ATM (ATM serine/threonine kinase; plus strand). Cytogenetic location: 11q22.3.
Variant type: single nucleotide variant.
Coding change: c.3360T>G on transcript NM_000051.4 (MANE Select); coding-DNA position 3360, T replaced by G.
Protein change: p.Phe1120Leu; replaces phenylalanine 1120 with leucine.
Molecular consequence: missense variant.
Genome position (GRCh38, 1-based): chr11:108,279,566, T>G. VCF-style: chr11-108279566-T-G. GRCh37 (hg19) VCF-style: chr11-108150293-T-G.
Other names: c.3360T>G, p.Phe1120Leu (NM_001351834.2); short protein forms F1120L.
Identifiers: ClinVar variation 859030 (VCV000859030.11), dbSNP rs2082121277, ClinGen allele CA382517675.

ClinVar aggregate classification (germline): Uncertain significance. Review status: criteria provided, multiple submitters, no conflicts (2 of 4 stars). 3 submissions from 3 submitters: Uncertain significance (3). Last evaluated 2025-12-09.

Conditions:
Ataxia-telangiectasia syndrome (AT). Also called: Ataxia telangiectasia (A-T); Cerebello-oculocutaneous telangiectasia; Immunodeficiency with ataxia telangiectasia; AT, COMPLEMENTATION GROUP C; ATAXIA-TELANGIECTASIA, COMPLEMENTATION GROUP A; ATAXIA-TELANGIECTASIA, FRESNO VARIANT. Identifiers: Orphanet 100, MedGen C0004135, MONDO:0008840, OMIM 208900.
Hereditary cancer-predisposing syndrome. Also called: Hereditary neoplastic syndrome; Tumor predisposition; Neoplastic Syndromes, Hereditary; Hereditary Cancer Syndrome. Identifiers: Orphanet 140162, MedGen C0027672, MeSH D009386, MONDO:0015356.
Familial cancer of breast. Also called: hereditary breast carcinoma; BREAST CANCER, FAMILIAL; Hereditary breast cancer. Identifiers: Orphanet 227535, MedGen C0346153, MONDO:0016419, OMIM 114480. Disease mechanism: loss of function.

Allele frequency attached by ClinVar (database versions not stated): gnomAD exomes below 0.00001.
gnomAD v4.1: 2 of 1,613,708 alleles (0.00012%); highest among the groups gnomAD compares: Admixed American, 0.0033%; no homozygotes.

Submissions (3):

Labcorp Genetics (formerly Invitae), Labcorp
Classification: Uncertain significance for Ataxia-telangiectasia syndrome. Last evaluated: 2025-12-09. Review status: criteria provided, single submitter. Criteria: Invitae Variant Classification Sherloc (09022015). Collection method: clinical testing. Allele origin: germline.
Comment: This sequence change replaces phenylalanine, which is neutral and non-polar, with leucine, which is neutral and non-polar, at codon 1120 of the ATM protein (p.Phe1120Leu). This variant is not present in population databases (gnomAD no frequency). This variant has not been reported in the literature in individuals affected with ATM-related conditions. ClinVar contains an entry for this variant (Variation ID: 859030). Invitae Evidence Modeling of protein sequence and biophysical properties (such as structural, functional, and spatial information, amino acid conservation, physicochemical variation, residue mobility, and thermodynamic stability) indicates that this missense variant is not expected to disrupt ATM protein function with a negative predictive value of 95%. In summary, the available evidence is currently insufficient to determine the role of this variant in disease. Therefore, it has been classified as a Variant of Uncertain Significance.

Ambry Genetics
Classification: Uncertain significance for Hereditary cancer-predisposing syndrome. Last evaluated: 2024-02-10. Review status: criteria provided, single submitter. Criteria: Ambry Variant Classification Scheme 2023. Collection method: clinical testing. Allele origin: germline.
Comment: The p.F1120L variant (also known as c.3360T>G), located in coding exon 22 of the ATM gene, results from a T to G substitution at nucleotide position 3360. The phenylalanine at codon 1120 is replaced by leucine, an amino acid with highly similar properties. This amino acid position is conserved. In addition, this alteration is predicted to be deleterious by in silico analysis. Based on the available evidence, the clinical significance of this alteration remains unclear.

Baylor Genetics
Classification: Uncertain significance for Familial cancer of breast. Last evaluated: 2023-12-12. Review status: criteria provided, single submitter. Criteria: ACMG Guidelines, 2015. Collection method: clinical testing. Allele origin: unknown.